The following is an entry in ClinVar:

ClinVar aggregate classification (germline): Uncertain significance. Review status: criteria provided, multiple submitters, no conflicts (2 of 4 stars). 3 submissions from 3 submitters: Uncertain significance (3). Last evaluated 2023-08-10.

Allele frequency attached by ClinVar (database versions not stated): TOPMed 0.00001; gnomAD 0.00002; gnomAD exomes 0.00002.

Submissions (3):

Labcorp Genetics (formerly Invitae), Labcorp
Classification: Uncertain significance. Last evaluated: 2023-08-10. Review status: criteria provided, single submitter. Criteria: Invitae Variant Classification Sherloc (09022015). Collection method: clinical testing. Allele origin: germline.
Comment: This variant is present in population databases (no rsID available, gnomAD 0.003%). In summary, the available evidence is currently insufficient to determine the role of this variant in disease. Therefore, it has been classified as a Variant of Uncertain Significance. Advanced modeling of protein sequence and biophysical properties (such as structural, functional, and spatial information, amino acid conservation, physicochemical variation, residue mobility, and thermodynamic stability) performed at Invitae indicates that this missense variant is not expected to disrupt RASA2 protein function. ClinVar contains an entry for this variant (Variation ID: 1734534). This variant has not been reported in the literature in individuals affected with RASA2-related conditions. This sequence change replaces lysine, which is basic and polar, with arginine, which is basic and polar, at codon 125 of the RASA2 protein (p.Lys125Arg).

Women's Health and Genetics/Laboratory Corporation of America, LabCorp
Classification: Uncertain significance. Last evaluated: 2022-11-06. Review status: criteria provided, single submitter. Criteria: LabCorp Variant Classification Summary - May 2015. Collection method: clinical testing. Allele origin: germline.

Ambry Genetics
Classification: Uncertain significance. Last evaluated: 2021-11-09. Review status: criteria provided, single submitter. Criteria: Ambry Variant Classification Scheme 2023. Collection method: clinical testing. Allele origin: germline.
Comment: The p.K125R variant (also known as c.374A>G), located in coding exon 4 of the RASA2 gene, results from an A to G substitution at nucleotide position 374. The lysine at codon 125 is replaced by arginine, an amino acid with highly similar properties. This amino acid position is conserved. In addition, the in silico prediction for this alteration is inconclusive. Since supporting evidence is limited at this time, the clinical significance of this alteration remains unclear.

NM_006506.5(RASA2):c.374A>G (p.Lys125Arg)

Gene: RASA2 (RAS p21 protein activator 2; plus strand). Cytogenetic location: 3q23.
Variant type: single nucleotide variant.
Coding change: c.374A>G on transcript NM_006506.5 (MANE Select); coding-DNA position 374, A replaced by G.
Protein change: p.Lys125Arg; replaces lysine 125 with arginine.
Molecular consequence: missense variant.
Genome position (GRCh38, 1-based): chr3:141,529,726, A>G. VCF-style: chr3-141529726-A-G. GRCh37 (hg19) VCF-style: chr3-141248568-A-G.
Other names: c.374A>G, p.Lys125Arg (NM_001303245.3, NM_001303246.3); short protein forms K125R.
Identifiers: ClinVar variation 1734534 (VCV001734534.6), dbSNP rs971502860, ClinGen allele CA84627200.